The following is an entry in ClinVar:

NM_001039591.3(USP9X):c.6944C>T (p.Ser2315Phe)

Gene: USP9X (ubiquitin specific peptidase 9 X-linked; plus strand). Cytogenetic location: Xp11.4.
Variant type: single nucleotide variant.
Coding change: c.6944C>T on transcript NM_001039591.3 (MANE Select); coding-DNA position 6944, C replaced by T.
Protein change: p.Ser2315Phe; replaces serine 2315 with phenylalanine.
Molecular consequence: missense variant.
Genome position (GRCh38, 1-based): chrX:41,224,934, C>T. VCF-style: chrX-41224934-C-T. GRCh37 (hg19) VCF-style: chrX-41084187-C-T.
Other names: c.6944C>T, p.Ser2315Phe (NM_001039590.3); c.6959C>T, p.Ser2320Phe (NM_001410748.1, NM_001410749.1); short protein forms S2315F, S2320F.
Identifiers: ClinVar variation 1878970 (VCV001878970.1), dbSNP rs2519400065, ClinGen allele CA412750412.

ClinVar aggregate classification (germline): Likely pathogenic (1 of 4 stars; one submission).

Submission:

GeneDx
Classification: Likely pathogenic. Last evaluated: 2022-07-15. Review status: criteria provided, single submitter. Criteria: GeneDx Variant Classification Process June 2021. Collection method: clinical testing. Allele origin: germline. Affected: yes.
Comment: Not observed at significant frequency in large population cohorts (gnomAD); In silico analysis supports that this missense variant does not alter protein structure/function; This variant is associated with the following publications: (PMID: 30997057)